The following is an entry in ClinVar:

NM_001099287.2(NIPAL4):c.1172C>T (p.Ser391Leu)

Gene: NIPAL4 (NIPA like domain containing 4; plus strand). Cytogenetic location: 5q33.3.
Variant type: single nucleotide variant.
Coding change: c.1172C>T on transcript NM_001099287.2 (MANE Select); coding-DNA position 1172, C replaced by T.
Protein change: p.Ser391Leu; replaces serine 391 with leucine.
Molecular consequence: missense variant.
Genome position (GRCh38, 1-based): chr5:157,472,917, C>T. VCF-style: chr5-157472917-C-T. GRCh37 (hg19) VCF-style: chr5-156899925-C-T.
Other names: c.1115C>T, p.Ser372Leu (NM_001172292.2); short protein forms S453L, S434L, S391L, S372L.
Identifiers: ClinVar variation 257435 (VCV000257435.14), dbSNP rs61743233, ClinGen allele CA3534804.
Genomic context (GRCh38, chr5:157,472,917, plus strand): 5'-CTGTTATTAGACTGGAAGACAAGAACGTCCTTGTGGACAATATAGAACTTGCCAGCACCT[C>T]ATCACCAGAAGAGAAACCCAAAGTATTTATAATCCATTCCTGAAGCTTGGAATATGTGAG-3'
Protein context (NP_001092757.2, residues 381-401): LVDNIELAST[Ser391Leu]SPEEKPKVFI

ClinVar aggregate classification (germline): Benign. Review status: criteria provided, multiple submitters, no conflicts (2 of 4 stars). 4 submissions from 4 submitters: Benign (4). Last evaluated 2026-02-02.

Conditions:
Autosomal recessive congenital ichthyosis 6 (ARCI6). Identifiers: Orphanet 313, Orphanet 79394, MedGen C2677065, MONDO:0012847, OMIM 612281.

Allele frequency attached by ClinVar (database versions not stated): gnomAD exomes 0.05975; gnomAD 0.08962 and 0.09106; 1000 Genomes Project 0.09385; 1000 Genomes Project 30x 0.09354; TOPMed 0.09503; ESP Exome Variant Server 0.08971.
gnomAD v4.1: 96,272 of 1,524,446 alleles (6.3%); highest among the groups gnomAD compares: African/African-American, 19%; 4,153 homozygotes.

Submissions (4):

Labcorp Genetics (formerly Invitae), Labcorp
Classification: Benign. Last evaluated: 2026-02-02. Review status: criteria provided, single submitter. Criteria: Invitae Variant Classification Sherloc (09022015). Collection method: clinical testing. Allele origin: germline.

Illumina Laboratory Services, Illumina
Classification: Benign for Autosomal recessive congenital ichthyosis 6. Last evaluated: 2018-01-12. Review status: criteria provided, single submitter. Criteria: ICSL Variant Classification Criteria 13 December 2019. Collection method: clinical testing. Allele origin: germline.
Comment: This variant was observed in the ICSL laboratory as part of a predisposition screen in an ostensibly healthy population. It had not been previously curated by ICSL or reported in the Human Gene Mutation Database (HGMD: prior to June 1st, 2018), and was therefore a candidate for classification through an automated scoring system. Utilizing variant allele frequency, disease prevalence and penetrance estimates, and inheritance mode, an automated score was calculated to assess if this variant is too frequent to cause the disease. Based on the score and internal cut-off values, a variant classified as benign is not then subjected to further curation. The score for this variant resulted in a classification of benign for this disease.

GeneDx
Classification: Benign. Last evaluated: 2015-03-03. Review status: criteria provided, single submitter. Criteria: GeneDx Variant Classification Process June 2021. Collection method: clinical testing. Allele origin: germline. Affected: yes.

PreventionGenetics, part of Exact Sciences
Classification: Benign. Review status: criteria provided, single submitter. Criteria: ACMG Guidelines, 2015. Collection method: clinical testing. Allele origin: germline.